The following is an entry in ClinVar:

ClinVar aggregate classification (germline): Likely benign. Review status: criteria provided, multiple submitters, no conflicts (2 of 4 stars). 3 submissions from 3 submitters: Likely benign (2). 1 of the submissions does not count toward it. Last evaluated 2025-09-02.

Conditions:
COQ6-related disorder. Also called: COQ6-related condition.

Allele frequency attached by ClinVar (database versions not stated): ExAC 0.00003; TOPMed 0.00005; gnomAD exomes 0.00008 and 0.00005; ESP Exome Variant Server 0.00015; gnomAD 0.00004.
gnomAD v4.1: 124 of 1,614,028 alleles (0.0077%); highest among the groups gnomAD compares: Non-Finnish European, 0.01%; no homozygotes.

Submissions (3):

Labcorp Genetics (formerly Invitae), Labcorp
Classification: Likely benign. Last evaluated: 2025-09-02. Review status: criteria provided, single submitter. Criteria: Invitae Variant Classification Sherloc (09022015). Collection method: clinical testing. Allele origin: germline.

GeneDx
Classification: Likely benign. Last evaluated: 2020-01-08. Review status: criteria provided, single submitter. Criteria: GeneDx Variant Classification Process June 2021. Collection method: clinical testing. Allele origin: germline. Affected: yes.

PreventionGenetics, part of Exact Sciences
Classification: Likely benign for COQ6-related condition. Last evaluated: 2023-07-11. Review status: no assertion criteria provided. Collection method: clinical testing. Allele origin: germline. Not counted in ClinVar's aggregate classification.
Comment: This variant is classified as likely benign based on ACMG/AMP sequence variant interpretation guidelines (Richards et al. 2015 PMID: 25741868, with internal and published modifications).

NM_182476.3(COQ6):c.1185G>A (p.Thr395=)

Genes: COQ6 (coenzyme Q6, monooxygenase; plus strand), ENTPD5 (ectonucleoside triphosphate diphosphohydrolase 5; minus strand). Cytogenetic location: 14q24.3.
Variant type: single nucleotide variant.
Coding change: c.1185G>A on transcript NM_182476.3 (MANE Select); coding-DNA position 1185, G replaced by A.
Protein change: p.Thr395=; no amino-acid change (threonine 395 retained).
Molecular consequence: synonymous variant. On other transcripts: intron variant (5).
Genome position (GRCh38, 1-based): chr14:73,961,545, G>A. VCF-style: chr14-73961545-G-A. GRCh37 (hg19) VCF-style: chr14-74428248-G-A.
Other names: c.960G>A, p.Thr320= (NM_001425259.1, NM_001425260.1, NM_001425261.1); c.930G>A, p.Thr310= (NM_001425262.1); c.858G>A, p.Thr286= (NM_001425263.1); c.645G>A, p.Thr215= (NM_001425264.1, NM_001425265.1); c.1110G>A, p.Thr370= (NM_182480.3); c.1206C>T, p.Ala402= (NM_001321984.2); c.1201-5958C>T (NM_001382258.1); c.1201-5717C>T (NM_001382262.1); and 5 more.
Identifiers: ClinVar variation 735973 (VCV000735973.13), dbSNP rs148593471, ClinGen allele CA7264465.